The following is an entry in ClinVar:

NM_015192.4(PLCB1):c.1540G>A (p.Asp514Asn)

Gene: PLCB1 (phospholipase C beta 1; plus strand). Cytogenetic location: 20p12.3.
Variant type: single nucleotide variant.
Coding change: c.1540G>A on transcript NM_015192.4 (MANE Select); coding-DNA position 1540, G replaced by A.
Protein change: p.Asp514Asn; replaces aspartic acid 514 with asparagine.
Molecular consequence: missense variant.
Genome position (GRCh38, 1-based): chr20:8,722,380, G>A. VCF-style: chr20-8722380-G-A. GRCh37 (hg19) VCF-style: chr20-8703027-G-A.
Other names: c.1540G>A, p.Asp514Asn (NM_182734.3); short protein forms D514N.
Identifiers: ClinVar variation 3214371 (VCV003214371.2), dbSNP rs757649827, ClinGen allele CA9759987.

ClinVar aggregate classification (germline): Uncertain significance. Review status: criteria provided, multiple submitters, no conflicts (2 of 4 stars). 2 submissions from 2 submitters: Uncertain significance (2). Last evaluated 2024-10-30.

Conditions:
Inborn genetic diseases. Identifiers: MedGen C0950123, MeSH D030342.
Developmental and epileptic encephalopathy, 12 (DEE12). Identifiers: MedGen C3150988, MONDO:0013389, OMIM 613722.

Allele frequency attached by ClinVar (database versions not stated): gnomAD exomes 0.00001; TOPMed 0.00001; ExAC 0.00003; gnomAD 0.00003.
gnomAD v4.1: 23 of 1,611,452 alleles (0.0014%); highest among the groups gnomAD compares: East Asian, 0.0045%; no homozygotes.

Submissions (2):

Labcorp Genetics (formerly Invitae), Labcorp
Classification: Uncertain significance for Developmental and epileptic encephalopathy, 12. Last evaluated: 2024-10-30. Review status: criteria provided, single submitter. Criteria: Invitae Variant Classification Sherloc (09022015). Collection method: clinical testing. Allele origin: germline.
Comment: This sequence change replaces aspartic acid, which is acidic and polar, with asparagine, which is neutral and polar, at codon 514 of the PLCB1 protein (p.Asp514Asn). This variant is present in population databases (rs757649827, gnomAD 0.01%). This variant has not been reported in the literature in individuals affected with PLCB1-related conditions. ClinVar contains an entry for this variant (Variation ID: 3214371). Invitae Evidence Modeling of protein sequence and biophysical properties (such as structural, functional, and spatial information, amino acid conservation, physicochemical variation, residue mobility, and thermodynamic stability) indicates that this missense variant is not expected to disrupt PLCB1 protein function with a negative predictive value of 80%. In summary, the available evidence is currently insufficient to determine the role of this variant in disease. Therefore, it has been classified as a Variant of Uncertain Significance.

Ambry Genetics
Classification: Uncertain significance for Inborn genetic diseases. Last evaluated: 2024-01-31. Review status: criteria provided, single submitter. Criteria: Ambry Variant Classification Scheme 2023. Collection method: clinical testing. Allele origin: germline.